The following is an entry in ClinVar:

NM_000179.3(MSH6):c.4001+11_4001+35del

Gene: MSH6 (mutS homolog 6; plus strand). Cytogenetic location: 2p16.3.
Variant type: Deletion.
Coding change: c.4001+11_4001+35del on transcript NM_000179.3 (MANE Select); bases 11 to 35 of the intron after coding-DNA position 4001, 25 bases deleted (AACTATAATGGAATTATAACTAACT).
Molecular consequence: splice donor variant.
Genome position (GRCh38, 1-based): chr2:47,806,662-47,806,686, AACTATAATGGAATTATAACTAACT deleted; deleting any 25 consecutive bases within chr2:47,806,653-47,806,686 gives the same sequence; the c. name uses the placement nearest the transcript's 3' end. VCF-style (leftmost placement, unchanged base first): chr2-47806652-GTAACTAACTAACTATAATGGAATTA-G. GRCh37 (hg19) VCF-style: chr2-48033791-GTAACTAACTAACTATAATGGAATTA-G.
Other names: c.4001+11_4001+35delAACTATAATGGAATTATAACTAACT (NM_000179.2); c.3095+11_3095+35del (NM_001281493.2, NM_001281494.2); c.3611+11_3611+35del (NM_001281492.2).
Identifiers: ClinVar variation 237203 (VCV000237203.17), dbSNP rs878853743, ClinGen allele CA072491.

ClinVar aggregate classification (germline): Likely benign. Review status: criteria provided, multiple submitters, no conflicts (2 of 4 stars). 6 submissions from 5 submitters: Likely benign (6). Last evaluated 2026-07-16.

Conditions:
MSH6-related disorder. Also called: MSH6-related condition; MSH6-Related disorders.
Hereditary nonpolyposis colorectal neoplasms. Identifiers: MedGen C0009405, MeSH D003123.
Hereditary cancer-predisposing syndrome. Also called: Neoplastic Syndromes, Hereditary; Hereditary neoplastic syndrome; Tumor predisposition; Hereditary Cancer Syndrome. Identifiers: Orphanet 140162, MedGen C0027672, MeSH D009386, MONDO:0015356.
Lynch syndrome. Identifiers: Orphanet 144, MedGen C4552100, MONDO:0005835. Disease mechanism: loss of function.

Submissions (6):

PreventionGenetics, part of Exact Sciences
Classification: Likely benign for MSH6-related condition. Last evaluated: 2026-07-16. Review status: criteria provided, single submitter. Criteria: ACMG Guidelines, 2015. Collection method: clinical testing. Allele origin: germline.
Comment: This variant is classified as likely benign based on ACMG/AMP sequence variant interpretation guidelines (Richards et al. 2015 PMID: 25741868, with internal and published modifications).

Labcorp Genetics (formerly Invitae), Labcorp
Classification: Likely benign for Hereditary nonpolyposis colorectal neoplasms. Last evaluated: 2026-01-14. Review status: criteria provided, single submitter. Criteria: Invitae Variant Classification Sherloc (09022015). Collection method: clinical testing. Allele origin: germline.

Ambry Genetics
Classification: Likely benign for Hereditary cancer-predisposing syndrome. Last evaluated: 2020-04-07. Review status: criteria provided, single submitter. Criteria: Ambry Variant Classification Scheme 2023. Collection method: clinical testing. Allele origin: germline.

GeneDx
Classification: Likely benign. Last evaluated: 2018-04-12. Review status: criteria provided, single submitter. Criteria: GeneDx Variant Classification Process June 2021. Collection method: clinical testing. Allele origin: germline. Affected: yes.
Comment: This variant is associated with the following publications: (PMID: 26483394)

Labcorp Genetics (formerly Invitae), Labcorp
Classification: Likely benign for Hereditary nonpolyposis colorectal neoplasms. Last evaluated: 2016-01-02. Review status: criteria provided, single submitter. Criteria: Invitae Variant Classification Sherloc (09022015). Collection method: clinical testing. Allele origin: germline.

Color Diagnostics, LLC DBA Color Health
Classification: Likely benign for Hereditary cancer-predisposing syndrome. Last evaluated: 2015-11-17. Review status: criteria provided, single submitter. Criteria: ACMG Guidelines, 2015. Collection method: clinical testing. Allele origin: germline.